The following is an entry in ClinVar:

ClinVar aggregate classification (germline): Uncertain significance (1 of 4 stars; one submission).

Submission:

Labcorp Genetics (formerly Invitae), Labcorp
Classification: Uncertain significance. Last evaluated: 2021-12-10. Review status: criteria provided, single submitter. Criteria: Invitae Variant Classification Sherloc (09022015). Collection method: clinical testing. Allele origin: germline.
Comment: This sequence change replaces threonine, which is neutral and polar, with serine, which is neutral and polar, at codon 1876 of the MTOR protein (p.Thr1876Ser). This variant is not present in population databases (gnomAD no frequency). This variant has not been reported in the literature in individuals affected with MTOR-related conditions. Advanced modeling of protein sequence and biophysical properties (such as structural, functional, and spatial information, amino acid conservation, physicochemical variation, residue mobility, and thermodynamic stability) performed at Invitae indicates that this missense variant is not expected to disrupt MTOR protein function. In summary, the available evidence is currently insufficient to determine the role of this variant in disease. Therefore, it has been classified as a Variant of Uncertain Significance.

NM_004958.4(MTOR):c.5627C>G (p.Thr1876Ser)

Gene: MTOR (mechanistic target of rapamycin kinase; minus strand). Cytogenetic location: 1p36.22.
Variant type: single nucleotide variant.
Coding change: c.5627C>G on transcript NM_004958.4 (MANE Select); coding-DNA position 5627, C replaced by G.
Protein change: p.Thr1876Ser; replaces threonine 1876 with serine.
Molecular consequence: missense variant.
Genome position (GRCh38, 1-based): chr1:11,129,825, G>C on the plus strand (C>G on the coding strand, the complement: MTOR is on the minus strand). VCF-style: chr1-11129825-G-C. GRCh37 (hg19) VCF-style: chr1-11189882-G-C.
Other names: c.5627C>G, p.Thr1876Ser (NM_001386500.1); c.4379C>G, p.Thr1460Ser (NM_001386501.1); short protein forms T1460S, T1876S.
Identifiers: ClinVar variation 2039280 (VCV002039280.4), dbSNP rs751960147, ClinGen allele CA338397831.
Genomic context (GRCh38, chr1:11,129,825, plus strand): 5'-CGTGACAAGGAGATGGAACGGAAGAAGCCCTGGACGGCAGGCACCGTGTACATCAGGAGG[G>C]TTTTGGACAGATCCTGTTGGAACACACACGTGTTAGCGACACTCTTGCCTCTGCTTTCTC-3'
Protein context (NP_004949.1, residues 1866-1886): QKKVTEDLSK[Thr1876Ser]LLMYTVPAVQ